The following is an entry in ClinVar:

NM_001999.4(FBN2):c.4472-18T>C

Gene: FBN2 (fibrillin 2; minus strand). Cytogenetic location: 5q23.3.
Variant type: single nucleotide variant.
Coding change: c.4472-18T>C on transcript NM_001999.4 (MANE Select); 18 bases into the intron before coding-DNA position 4472, T replaced by C.
Molecular consequence: intron variant.
Genome position (GRCh38, 1-based): chr5:128,319,019, A>G on the plus strand (T>C on the coding strand, the complement: FBN2 is on the minus strand). VCF-style: chr5-128319019-A-G. GRCh37 (hg19) VCF-style: chr5-127654711-A-G.
Identifiers: ClinVar variation 3063922 (VCV003063922.1), dbSNP rs200285828, ClinGen allele CA2675116013.

ClinVar aggregate classification (germline): Likely benign (1 of 4 stars; one submission).

gnomAD v4.1: 1 of 1,582,586 alleles (0.000063%); highest among the groups gnomAD compares: Non-Finnish European, 0.000087%; no homozygotes.

Submission:

Women's Health and Genetics/Laboratory Corporation of America, LabCorp
Classification: Likely benign. Last evaluated: 2024-01-15. Review status: criteria provided, single submitter. Criteria: LabCorp Variant Classification Summary - May 2015. Collection method: clinical testing. Allele origin: germline.
Comment: Variant summary: FBN2 c.4472-18T>C alters a non-conserved nucleotide located at a position not widely known to affect splicing. Consensus agreement among computation tools predict no significant impact on normal splicing. However, these predictions have yet to be confirmed by functional studies. The variant was absent in 249458 control chromosomes. The available data on variant occurrences in the general population are insufficient to allow any conclusion about variant significance. To our knowledge, no occurrence of c.4472-18T>C in individuals affected with Aortopathy and no experimental evidence demonstrating its impact on protein function have been reported. No submitters have cited clinical-significance assessments for this variant to ClinVar. Based on the evidence outlined above, the variant was classified as likely benign.